The following is an entry in ClinVar:

NM_005502.4(ABCA1):c.1311G>A (p.Arg437=)

Gene: ABCA1 (ATP binding cassette subfamily A member 1; minus strand). Cytogenetic location: 9q31.1.
Variant type: single nucleotide variant.
Coding change: c.1311G>A on transcript NM_005502.4 (MANE Select); coding-DNA position 1311, G replaced by A.
Protein change: p.Arg437=; no amino-acid change (arginine 437 retained).
Molecular consequence: synonymous variant.
Genome position (GRCh38, 1-based): chr9:104,836,980, C>T on the plus strand (G>A on the coding strand, the complement: ABCA1 is on the minus strand). VCF-style: chr9-104836980-C-T. GRCh37 (hg19) VCF-style: chr9-107599261-C-T.
Identifiers: ClinVar variation 3609468 (VCV003609468.1).

ClinVar aggregate classification (germline): Uncertain significance (1 of 4 stars; one submission).

gnomAD v4.1: 10 of 1,612,446 alleles (0.00062%); highest among the groups gnomAD compares: African/African-American, 0.013%; no homozygotes.

Submission:

Labcorp Genetics (formerly Invitae), Labcorp
Classification: Uncertain significance. Last evaluated: 2025-01-19. Review status: criteria provided, single submitter. Criteria: Invitae Variant Classification Sherloc (09022015). Collection method: clinical testing. Allele origin: germline.
Comment: This sequence change affects codon 437 of the ABCA1 mRNA. It is a 'silent' change, meaning that it does not change the encoded amino acid sequence of the ABCA1 protein. This variant also falls at the last nucleotide of exon 11, which is part of the consensus splice site for this exon. This variant is present in population databases (rs374953977, gnomAD 0.02%). This variant has not been reported in the literature in individuals affected with ABCA1-related conditions. Variants that disrupt the consensus splice site are a relatively common cause of aberrant splicing (PMID: 17576681, 9536098). Algorithms developed to predict the effect of sequence changes on RNA splicing suggest that this variant may create or strengthen a splice site. In summary, the available evidence is currently insufficient to determine the role of this variant in disease. Therefore, it has been classified as a Variant of Uncertain Significance.

Literature cited by the submitters: PubMed 17576681; PubMed 9536098.